The following is an entry in ClinVar:

NC_000002.12:g.(?_71549340)_(71549401_?)del

Gene: DYSF (dysferlin; plus strand). Cytogenetic location: 2p13.2.
Variant type: Deletion.
Identifiers: ClinVar variation 830527 (VCV000830527.2).

ClinVar aggregate classification (germline): Likely pathogenic (1 of 4 stars; one submission).

Conditions:
Neuromuscular disease caused by qualitative or quantitative defects of dysferlin. Also called: Dysferlinopathy; Qualitative or quantitative defects of dysferlin. Identifiers: Orphanet 207073, MedGen C2931687, MONDO:0016145.

Submission:

Labcorp Genetics (formerly Invitae), Labcorp
Classification: Likely pathogenic for Neuromuscular disease caused by qualitative or quantitative defects of dysferlin. Last evaluated: 2021-08-04. Review status: criteria provided, single submitter. Criteria: Invitae Variant Classification Sherloc (09022015). Collection method: clinical testing. Allele origin: germline.
Comment: This variant is a gross deletion of the genomic region encompassing exon(s) 17 of the DYSF gene. This variant would be expected to be in-frame, preserving the integrity of the reading frame. A similar copy number variant has been observed in individual(s) with muscular dystrophy (PMID: 21522182). Experimental studies and prediction algorithms are not available or were not evaluated, and the functional significance of this variant is currently unknown. In summary, the currently available evidence indicates that the variant is pathogenic, but additional data are needed to prove that conclusively. Therefore, this variant has been classified as Likely Pathogenic.

Literature cited by the submitters: PubMed 21522182.